The following is an entry in ClinVar:

NM_001130009.3(GEN1):c.332A>T (p.Lys111Ile)

Gene: GEN1 (GEN1 structure-specific endonuclease; plus strand). Cytogenetic location: 2p24.2.
Variant type: single nucleotide variant.
Coding change: c.332A>T on transcript NM_001130009.3 (MANE Select); coding-DNA position 332, A replaced by T.
Protein change: p.Lys111Ile; replaces lysine 111 with isoleucine.
Molecular consequence: missense variant.
Genome position (GRCh38, 1-based): chr2:17,761,566, A>T. VCF-style: chr2-17761566-A-T. GRCh37 (hg19) VCF-style: chr2-17942833-A-T.
Other names: c.332A>T, p.Lys111Ile (NM_182625.5); short protein forms K111I.
Identifiers: ClinVar variation 2900333 (VCV002900333.3), dbSNP rs2545548549, ClinGen allele CA345906851.

ClinVar aggregate classification (germline): Uncertain significance (1 of 4 stars; one submission).

Submission:

Labcorp Genetics (formerly Invitae), Labcorp
Classification: Uncertain significance. Last evaluated: 2023-09-25. Review status: criteria provided, single submitter. Criteria: Invitae Variant Classification Sherloc (09022015). Collection method: clinical testing. Allele origin: germline.
Comment: This sequence change replaces lysine, which is basic and polar, with isoleucine, which is neutral and non-polar, at codon 111 of the GEN1 protein (p.Lys111Ile). This variant is not present in population databases (gnomAD no frequency). This variant has not been reported in the literature in individuals affected with GEN1-related conditions. An algorithm developed to predict the effect of missense changes on protein structure and function (PolyPhen-2) suggests that this variant is likely to be disruptive. In summary, the available evidence is currently insufficient to determine the role of this variant in disease. Therefore, it has been classified as a Variant of Uncertain Significance.